The following is an entry in ClinVar:

ClinVar aggregate classification (germline): Conflicting classifications of pathogenicity. Review status: criteria provided, conflicting classifications (1 of 4 stars). 3 submissions from 3 submitters: Uncertain significance (1); Likely benign (2). Last evaluated 2025-04-29.

Conditions:
Rienhoff syndrome. Also called: LOEYS-DIETZ SYNDROME 5. Identifiers: MedGen C3810012, MONDO:0014262, OMIM 615582.
Familial thoracic aortic aneurysm and aortic dissection (TAAD). Also called: Thoracic aortic aneurysms and dissections. Identifiers: Orphanet 91387, MedGen C4707243, MONDO:0019625.

Allele frequency attached by ClinVar (database versions not stated): gnomAD 0.00001; TOPMed 0.00002.

Submissions (3):

Women's Health and Genetics/Laboratory Corporation of America, LabCorp
Classification: Likely benign. Last evaluated: 2025-04-29. Review status: criteria provided, single submitter. Criteria: LabCorp Variant Classification Summary - May 2015. Collection method: clinical testing. Allele origin: germline.

Labcorp Genetics (formerly Invitae), Labcorp
Classification: Likely benign for Rienhoff syndrome. Last evaluated: 2023-03-31. Review status: criteria provided, single submitter. Criteria: Invitae Variant Classification Sherloc (09022015). Collection method: clinical testing. Allele origin: germline.

Ambry Genetics
Classification: Uncertain significance for Familial thoracic aortic aneurysm and aortic dissection. Last evaluated: 2021-03-31. Review status: criteria provided, single submitter. Criteria: Ambry Variant Classification Scheme 2023. Collection method: clinical testing. Allele origin: germline.
Comment: The c.353-4C>G intronic variant results from a C to G substitution 4 nucleotides upstream from coding exon 2 in the TGFB3 gene. This nucleotide position is highly conserved in available vertebrate species. In silico splice site analysis predicts that this alteration will not have any significant effect on splicing. Since supporting evidence is limited at this time, the clinical significance of this alteration remains unclear.

NM_003239.5(TGFB3):c.353-4C>G

Gene: TGFB3 (transforming growth factor beta 3; minus strand). Cytogenetic location: 14q24.3.
Variant type: single nucleotide variant.
Coding change: c.353-4C>G on transcript NM_003239.5 (MANE Select); 4 bases into the intron before coding-DNA position 353, C replaced by G.
Molecular consequence: intron variant.
Genome position (GRCh38, 1-based): chr14:75,971,722, G>C on the plus strand (C>G on the coding strand, the complement: TGFB3 is on the minus strand). VCF-style: chr14-75971722-G-C. GRCh37 (hg19) VCF-style: chr14-76438065-G-C.
Other names: c.353-4C>G (NM_001329939.2, NM_001329938.2, NM_003239.4).
Identifiers: ClinVar variation 1732387 (VCV001732387.10), dbSNP rs921588962, ClinGen allele CA263707240.